The following is an entry in ClinVar:

NM_000051.4(ATM):c.37C>A (p.Arg13Ser)

Gene: ATM (ATM serine/threonine kinase; plus strand). Cytogenetic location: 11q22.3.
Variant type: single nucleotide variant.
Coding change: c.37C>A on transcript NM_000051.4 (MANE Select); coding-DNA position 37, C replaced by A.
Protein change: p.Arg13Ser; replaces arginine 13 with serine.
Molecular consequence: missense variant.
Genome position (GRCh38, 1-based): chr11:108,227,661, C>A. VCF-style: chr11-108227661-C-A. GRCh37 (hg19) VCF-style: chr11-108098388-C-A.
Other names: c.37C>A (NM_000051.3); c.37C>A, p.Arg13Ser (NM_001351834.2, NM_001351835.2, NM_001351836.2); short protein forms R13S.
Identifiers: ClinVar variation 1035304 (VCV001035304.12), dbSNP rs141586345, ClinGen allele CA382519100.

ClinVar aggregate classification (germline): Uncertain significance. Review status: criteria provided, multiple submitters, no conflicts (2 of 4 stars). 3 submissions from 3 submitters: Uncertain significance (3). Last evaluated 2025-06-15.

Conditions:
Hereditary cancer-predisposing syndrome. Also called: Neoplastic Syndromes, Hereditary; Hereditary Cancer Syndrome; Tumor predisposition; Hereditary neoplastic syndrome. Identifiers: Orphanet 140162, MedGen C0027672, MeSH D009386, MONDO:0015356.
Ataxia-telangiectasia syndrome (AT). Also called: Ataxia-telangiectasia, complementation group D; ATAXIA-TELANGIECTASIA, COMPLEMENTATION GROUP A; ATAXIA-TELANGIECTASIA, FRESNO VARIANT; Ataxia-telangiectasia; Ataxia-telangiectasia, complementation group E; LOUIS-BAR SYNDROME. Identifiers: Orphanet 100, MedGen C0004135, MONDO:0008840, OMIM 208900.

Submissions (3):

Labcorp Genetics (formerly Invitae), Labcorp
Classification: Uncertain significance for Ataxia-telangiectasia syndrome. Last evaluated: 2025-06-15. Review status: criteria provided, single submitter. Criteria: Invitae Variant Classification Sherloc (09022015). Collection method: clinical testing. Allele origin: germline.
Comment: This sequence change replaces arginine, which is basic and polar, with serine, which is neutral and polar, at codon 13 of the ATM protein (p.Arg13Ser). This variant is not present in population databases (gnomAD no frequency). This variant has not been reported in the literature in individuals affected with ATM-related conditions. ClinVar contains an entry for this variant (Variation ID: 1035304). Invitae Evidence Modeling of protein sequence and biophysical properties (such as structural, functional, and spatial information, amino acid conservation, physicochemical variation, residue mobility, and thermodynamic stability) indicates that this missense variant is not expected to disrupt ATM protein function with a negative predictive value of 95%. Algorithms developed to predict the effect of sequence changes on RNA splicing suggest that this variant may disrupt the consensus splice site. In summary, the available evidence is currently insufficient to determine the role of this variant in disease. Therefore, it has been classified as a Variant of Uncertain Significance.

Ambry Genetics
Classification: Uncertain significance for Hereditary cancer-predisposing syndrome. Last evaluated: 2025-05-26. Review status: criteria provided, single submitter. Criteria: Ambry Variant Classification Scheme 2023. Collection method: clinical testing. Allele origin: germline.
Comment: The p.R13S variant (also known as c.37C>A), located in coding exon 1 of the ATM gene, results from a C to A substitution at nucleotide position 37. The arginine at codon 13 is replaced by serine, an amino acid with dissimilar properties. This amino acid position is well conserved in available vertebrate species. In addition, this alteration is predicted to be tolerated by in silico analysis. Since supporting evidence is limited at this time, the clinical significance of this alteration remains unclear.

Color Diagnostics, LLC DBA Color Health
Classification: Uncertain significance for Hereditary cancer-predisposing syndrome. Last evaluated: 2024-06-04. Review status: criteria provided, single submitter. Criteria: ACMG Guidelines, 2015. Collection method: clinical testing. Allele origin: germline.
Comment: This missense variant replaces arginine with serine at codon 13 of the ATM protein. Computational prediction suggests that this variant may not impact protein structure and function. To our knowledge, functional studies have not been reported for this variant. This variant has not been reported in individuals affected with ATM-related disorders in the literature. This variant has not been identified in the general population by the Genome Aggregation Database (gnomAD). The available evidence is insufficient to determine the role of this variant in disease conclusively. Therefore, this variant is classified as a Variant of Uncertain Significance.